The following is an entry in ClinVar:

NM_000552.5(VWF):c.3987C>T (p.Ile1329=)

Gene: VWF (von Willebrand factor; minus strand). Cytogenetic location: 12p13.31.
Variant type: single nucleotide variant.
Coding change: c.3987C>T on transcript NM_000552.5 (MANE Select); coding-DNA position 3987, C replaced by T.
Protein change: p.Ile1329=; no amino-acid change (isoleucine 1329 retained).
Molecular consequence: synonymous variant.
Genome position (GRCh38, 1-based): chr12:6,019,431, G>A on the plus strand (C>T on the coding strand, the complement: VWF is on the minus strand). VCF-style: chr12-6019431-G-A. GRCh37 (hg19) VCF-style: chr12-6128597-G-A.
Identifiers: ClinVar variation 5039361 (VCV005039361.1).
Genomic context (GRCh38, chr12:6,019,431, plus strand): 5'-ATACTTCACCTGGCTGGCAATGCGCCGCAGCTCTGACGGTCGCTTCCGGTCCTTGAGCCC[G>A]ATGTAGGCGTGGGAGCCGTCGTGGTACTCCACCACGGCCACGCGGACCCACTTCTGGGAG-3'
Protein context (NP_000543.3, residues 1319-1339): VEYHDGSHAY[Ile1329=]GLKDRKRPSE

ClinVar aggregate classification (germline): Likely benign (1 of 4 stars; one submission).

gnomAD v4.1: 23 of 1,613,906 alleles (0.0014%); highest among the groups gnomAD compares: Admixed American, 0.0017%; no homozygotes.

Submission:

CeGaT Center for Human Genetics Tuebingen
Classification: Likely benign. Last evaluated: 2026-07-01. Review status: criteria provided, single submitter. Criteria: CeGaT Center For Human Genetics Tuebingen Variant Classification Criteria Version 2. Collection method: clinical testing. Allele origin: germline. Affected: yes. Observed: 1 variant allele.
Comment: VWF: BP4, BP7